The following is an entry in ClinVar:

NC_000002.11:g.(?_135809878)_(135810075_?)del

Gene: RAB3GAP1 (RAB3 GTPase activating protein catalytic subunit 1; plus strand). Cytogenetic location: 2q21.3.
Variant type: Deletion.
Identifiers: ClinVar variation 3247543 (VCV003247543.1).

ClinVar aggregate classification (germline): Pathogenic (1 of 4 stars; one submission).

Submission:

Labcorp Genetics (formerly Invitae), Labcorp
Classification: Pathogenic. Last evaluated: 2023-10-20. Review status: criteria provided, single submitter. Criteria: Invitae Variant Classification Sherloc (09022015). Collection method: clinical testing. Allele origin: unknown.
Comment: This variant is a gross deletion of the genomic region encompassing exon(s) 1-2 of the RAB3GAP1 gene, which includes the initiator codon. This deletion extends beyond the assayed region for this gene and therefore may encompass additional genes. It is expected to result in an absent or disrupted protein product. Loss-of-function variants in RAB3GAP1 are known to be pathogenic (PMID: 23420520). This variant has not been reported in the literature in individuals affected with RAB3GAP1-related conditions. For these reasons, this variant has been classified as Pathogenic.

Literature cited by the submitters: PubMed 23420520.